The following is an entry in ClinVar:

ClinVar aggregate classification (germline): Uncertain significance (1 of 4 stars; one submission).

Conditions:
Familial focal epilepsy with variable foci (FPEVF). Identifiers: Orphanet 98820, MedGen C1858477, MONDO:0020310.

Allele frequency attached by ClinVar (database versions not stated): gnomAD exomes below 0.00001 and 0.00001; ExAC 0.00001; gnomAD 0.00001; 1000 Genomes Project 30x 0.00016; 1000 Genomes Project 0.00020.
gnomAD v4.1: 13 of 1,614,204 alleles (0.00081%); highest among the groups gnomAD compares: Non-Finnish European, 0.001%; no homozygotes.

Submission:

Labcorp Genetics (formerly Invitae), Labcorp
Classification: Uncertain significance for Familial focal epilepsy with variable foci. Last evaluated: 2023-10-03. Review status: criteria provided, single submitter. Criteria: Invitae Variant Classification Sherloc (09022015). Collection method: clinical testing. Allele origin: germline.
Comment: This sequence change affects codon 138 of the DEPDC5 mRNA. It is a 'silent' change, meaning that it does not change the encoded amino acid sequence of the DEPDC5 protein. It affects a nucleotide within the consensus splice site. This variant is present in population databases (rs200421648, gnomAD 0.0009%). This variant has not been reported in the literature in individuals affected with DEPDC5-related conditions. ClinVar contains an entry for this variant (Variation ID: 841870). Algorithms developed to predict the effect of sequence changes on RNA splicing suggest that this variant is not likely to affect RNA splicing. In summary, the available evidence is currently insufficient to determine the role of this variant in disease. Therefore, it has been classified as a Variant of Uncertain Significance.

NM_001242896.3(DEPDC5):c.414A>G (p.Arg138=)

Gene: DEPDC5 (DEP domain containing 5, GATOR1 subcomplex subunit; plus strand). Cytogenetic location: 22q12.2.
Variant type: single nucleotide variant.
Coding change: c.414A>G on transcript NM_001242896.3 (MANE Select); coding-DNA position 414, A replaced by G.
Protein change: p.Arg138=; no amino-acid change (arginine 138 retained).
Molecular consequence: synonymous variant. On other transcripts: non-coding transcript variant (5).
Genome position (GRCh38, 1-based): chr22:31,778,099, A>G. VCF-style: chr22-31778099-A-G. GRCh37 (hg19) VCF-style: chr22-32174085-A-G.
Other names: c.414A>G, p.Arg138= (NM_001007188.4, NM_001136029.4, NM_001242897.2 and 7 more transcripts); c.330A>G, p.Arg110= (NM_001369901.1, NM_001369902.1).
Identifiers: ClinVar variation 841870 (VCV000841870.8), dbSNP rs200421648, ClinGen allele CA10195973.